The following is an entry in ClinVar:

NM_002691.4(POLD1):c.2507A>C (p.Asn836Thr)

Gene: POLD1 (DNA polymerase delta 1, catalytic subunit; plus strand). Cytogenetic location: 19q13.33.
Variant type: single nucleotide variant.
Coding change: c.2507A>C on transcript NM_002691.4 (MANE Select); coding-DNA position 2507, A replaced by C.
Protein change: p.Asn836Thr; replaces asparagine 836 with threonine.
Molecular consequence: missense variant. On other transcripts: non-coding transcript variant (1).
Genome position (GRCh38, 1-based): chr19:50,414,933, A>C. VCF-style: chr19-50414933-A-C. GRCh37 (hg19) VCF-style: chr19-50918190-A-C.
Other names: c.2507A>C, p.Asn836Thr (NM_001256849.1, NM_001438212.1, NM_001438213.1); c.2585A>C, p.Asn862Thr (NM_001308632.1); c.2435A>C, p.Asn812Thr (NM_001438210.1, NM_001438211.1); c.2507A>C (NM_002691.3); short protein forms N836T, N812T, N862T.
Identifiers: ClinVar variation 4140988 (VCV004140988.2).

ClinVar aggregate classification (germline): Uncertain significance. Review status: criteria provided, multiple submitters, no conflicts (2 of 4 stars). 2 submissions from 2 submitters: Uncertain significance (2). Last evaluated 2025-06-20.

Conditions:
Hereditary cancer-predisposing syndrome. Also called: Hereditary neoplastic syndrome; Neoplastic Syndromes, Hereditary; Tumor predisposition; Hereditary Cancer Syndrome. Identifiers: Orphanet 140162, MedGen C0027672, MeSH D009386, MONDO:0015356.

gnomAD v4.1: 4 of 1,609,428 alleles (0.00025%); highest among the groups gnomAD compares: Non-Finnish European, 0.00034%; no homozygotes.

Submissions (2):

Ambry Genetics
Classification: Uncertain significance for Hereditary cancer-predisposing syndrome. Last evaluated: 2025-06-20. Review status: criteria provided, single submitter. Criteria: Ambry Variant Classification Scheme 2023. Collection method: clinical testing. Allele origin: germline.
Comment: The p.N836T variant (also known as c.2507A>C), located in coding exon 19 of the POLD1 gene, results from an A to C substitution at nucleotide position 2507. The asparagine at codon 836 is replaced by threonine, an amino acid with similar properties. This amino acid position is conserved. In addition, this alteration is predicted to be tolerated by in silico analysis. Based on the available evidence, the clinical significance of this variant remains unclear.

GeneDx
Classification: Uncertain significance. Last evaluated: 2025-04-02. Review status: criteria provided, single submitter. Criteria: GeneDx Variant Classification Process June 2021. Collection method: clinical testing. Allele origin: germline. Affected: yes.
Comment: Not observed at significant frequency in large population cohorts (gnomAD); In silico analysis supports that this missense variant has a deleterious effect on protein structure/function; Has not been previously published as pathogenic or benign to our knowledge; This variant is associated with the following publications: (PMID: 20951805)